The following is an entry in ClinVar:

ClinVar aggregate classification (germline): Uncertain significance. Review status: criteria provided, multiple submitters, no conflicts (2 of 4 stars). 2 submissions from 2 submitters: Uncertain significance (2). Last evaluated 2024-08-14.

Conditions:
Inborn genetic diseases. Identifiers: MedGen C0950123, MeSH D030342.

Allele frequency attached by ClinVar (database versions not stated): gnomAD 0.00007; ExAC 0.00008; ESP Exome Variant Server 0.00008; TOPMed 0.00009.
gnomAD v4.1: 59 of 1,571,360 alleles (0.0038%); highest among the groups gnomAD compares: Middle Eastern, 0.05%; no homozygotes.

Submissions (2):

Ambry Genetics
Classification: Uncertain significance for Inborn genetic diseases. Last evaluated: 2024-08-14. Review status: criteria provided, single submitter. Criteria: Ambry Variant Classification Scheme 2023. Collection method: clinical testing. Allele origin: germline.

Labcorp Genetics (formerly Invitae), Labcorp
Classification: Uncertain significance. Last evaluated: 2023-06-07. Review status: criteria provided, single submitter. Criteria: Invitae Variant Classification Sherloc (09022015). Collection method: clinical testing. Allele origin: germline.
Comment: In summary, the available evidence is currently insufficient to determine the role of this variant in disease. Therefore, it has been classified as a Variant of Uncertain Significance. Algorithms developed to predict the effect of sequence changes on RNA splicing suggest that this variant may disrupt the consensus splice site. An algorithm developed to predict the effect of missense changes on protein structure and function (PolyPhen-2) suggests that this variant is likely to be disruptive. ClinVar contains an entry for this variant (Variation ID: 2050401). This variant has not been reported in the literature in individuals affected with TRAPPC9-related conditions. This variant is present in population databases (rs372226318, gnomAD 0.01%). This sequence change replaces alanine, which is neutral and non-polar, with valine, which is neutral and non-polar, at codon 1095 of the TRAPPC9 protein (p.Ala1095Val).

Literature cited by the submitters: PubMed 25961944 (cited by Ambry Genetics).

NM_001160372.4(TRAPPC9):c.2990C>T (p.Ala997Val)

Gene: TRAPPC9 (trafficking protein particle complex subunit 9; minus strand). Cytogenetic location: 8q24.3.
Variant type: single nucleotide variant.
Coding change: c.2990C>T on transcript NM_001160372.4 (MANE Select); coding-DNA position 2990, C replaced by T.
Protein change: p.Ala997Val; replaces alanine 997 with valine.
Molecular consequence: missense variant. On other transcripts: non-coding transcript variant (1).
Genome position (GRCh38, 1-based): chr8:139,885,944, G>A on the plus strand (C>T on the coding strand, the complement: TRAPPC9 is on the minus strand). VCF-style: chr8-139885944-G-A. GRCh37 (hg19) VCF-style: chr8-140898188-G-A.
Other names: c.2963C>T, p.Ala988Val (NM_001321646.2); c.3011C>T, p.Ala1004Val (NM_001374682.1); c.2879C>T, p.Ala960Val (NM_001374683.1); c.2846C>T, p.Ala949Val (NM_001374684.1); c.2990C>T, p.Ala997Val (NM_031466.8); c.3284C>T (NM_031466.5); short protein forms A1004V, A949V, A988V, A960V, A997V.
Identifiers: ClinVar variation 2050401 (VCV002050401.3), dbSNP rs372226318, ClinGen allele CA4892844.
Genomic context (GRCh38, chr8:139,885,944, plus strand): 5'-TGCAGAGGCGCCAGCTGCAGGTGCTCCAGGACGAGCTGGTTCAGGAGTCCTTCCACACTC[G>A]CCTCGCCACTGCGCTTCAGGGAGGGGTGAGCCTTGGTCAAGGAAAACGCAACTCCTGCGG-3'
Protein context (NP_001153844.1, residues 987-1007): RIPSLKRSGE[Ala997Val]SVEGLLNQLV